The following is an entry in ClinVar:

ClinVar aggregate classification (germline): Uncertain significance (1 of 4 stars; one submission).

gnomAD v4.1: 3 of 1,613,818 alleles (0.00019%); highest among the groups gnomAD compares: Non-Finnish European, 0.00025%; no homozygotes.

Submission:

Labcorp Genetics (formerly Invitae), Labcorp
Classification: Uncertain significance. Last evaluated: 2022-04-08. Review status: criteria provided, single submitter. Criteria: Invitae Variant Classification Sherloc (09022015). Collection method: clinical testing. Allele origin: germline.
Comment: In summary, the available evidence is currently insufficient to determine the role of this variant in disease. Therefore, it has been classified as a Variant of Uncertain Significance. Algorithms developed to predict the effect of sequence changes on RNA splicing suggest that this variant may disrupt the consensus splice site. This variant has not been reported in the literature in individuals affected with DNAJC17-related conditions. This variant is not present in population databases (gnomAD no frequency). This sequence change affects a donor splice site in intron 7 of the DNAJC17 gene. It is expected to disrupt RNA splicing. Variants that disrupt the donor or acceptor splice site typically lead to a loss of protein function (PMID: 16199547), however the current clinical and genetic evidence is not sufficient to establish whether loss-of-function variants in DNAJC17 cause disease.

Literature cited by the submitters: PubMed 16199547.

NM_018163.3(DNAJC17):c.522+2T>G

Gene: DNAJC17 (DnaJ heat shock protein family (Hsp40) member C17; minus strand). Cytogenetic location: 15q15.1.
Variant type: single nucleotide variant.
Coding change: c.522+2T>G on transcript NM_018163.3 (MANE Select); the canonical splice donor site of the intron after coding-DNA position 522, T replaced by G.
Molecular consequence: splice donor variant.
Genome position (GRCh38, 1-based): chr15:40,775,551, A>C on the plus strand (T>G on the coding strand, the complement: DNAJC17 is on the minus strand). VCF-style: chr15-40775551-A-C. GRCh37 (hg19) VCF-style: chr15-41067749-A-C.
Identifiers: ClinVar variation 2047362 (VCV002047362.4), dbSNP rs2504660897, ClinGen allele CA391763519.